The following is an entry in ClinVar:

ClinVar aggregate classification (germline): Benign. Review status: criteria provided, multiple submitters, no conflicts (2 of 4 stars). 8 submissions from 7 submitters: Benign (6). 2 of the submissions do not count toward it. Last evaluated 2024-11-27.

Conditions:
Farber lipogranulomatosis (FRBRL). Also called: Farber's lipogranulomatosis; Farber's disease; Farber disease; AC DEFICIENCY; ACID CERAMIDASE DEFICIENCY; CERAMIDASE DEFICIENCY. Identifiers: Orphanet 333, MedGen C0268255, MONDO:0009218, OMIM 228000.
Spinal muscular atrophy-progressive myoclonic epilepsy syndrome. Also called: Spinal Muscular Atrophy with Progressive Myoclonic Epilepsy (SMA-PME); MYOCLONUS, HEREDITARY, WITH PROGRESSIVE DISTAL MUSCULAR ATROPHY; Hereditary myoclonus and progressive distal muscular atrophy; Spinal muscular atrophy with progressive myoclonic epilepsy. Identifiers: Orphanet 2590, MedGen C1834569, MONDO:0008045, OMIM 159950.

Allele frequency attached by ClinVar (database versions not stated): ExAC 0.46507; gnomAD exomes 0.46786 and 0.47036; 1000 Genomes Project 0.41354; 1000 Genomes Project 30x 0.41365; gnomAD 0.42287 and 0.42676; ESP Exome Variant Server 0.42394; TOPMed 0.43308.
gnomAD v4.1: 694,865 of 1,499,158 alleles (46%); highest among the groups gnomAD compares: Admixed American, 60%; 172,931 homozygotes.

Submissions (8):

Blueprint Genetics
Classification: Benign. Last evaluated: 2024-11-27. Review status: criteria provided, single submitter. Criteria: ACMG Guidelines, 2015. Collection method: clinical testing. Allele origin: germline.

Genome-Nilou Lab
Classification: Benign for Farber lipogranulomatosis. Last evaluated: 2021-07-14. Review status: criteria provided, single submitter. Criteria: ACMG Guidelines, 2015. Collection method: clinical testing. Allele origin: germline. Affected: no.

Genome-Nilou Lab
Classification: Benign for Spinal muscular atrophy-progressive myoclonic epilepsy syndrome. Last evaluated: 2021-07-14. Review status: criteria provided, single submitter. Criteria: ACMG Guidelines, 2015. Collection method: clinical testing. Allele origin: germline. Affected: no.

GeneDx
Classification: Benign. Last evaluated: 2018-06-19. Review status: criteria provided, single submitter. Criteria: GeneDx Variant Classification (06012015). Collection method: clinical testing. Allele origin: germline. Affected: yes.
Comment: This variant is considered likely benign or benign based on one or more of the following criteria: it is a conservative change, it occurs at a poorly conserved position in the protein, it is predicted to be benign by multiple in silico algorithms, and/or has population frequency not consistent with disease.

Laboratory for Molecular Medicine, Mass General Brigham Personalized Medicine
Classification: Benign. Last evaluated: 2016-03-28. Review status: criteria provided, single submitter. Criteria: LMM Criteria. Collection method: clinical testing. Allele origin: germline.
Comment: Variant identified in a genome or exome case(s) and assessed due to predicted null impact of the variant or pathogenic assertions in the literature or databases. Disclaimer: This variant has not undergone full assessment. The following are preliminary notes: 47% of total chromosomes in ExAC

Breakthrough Genomics
Classification: Benign. Review status: criteria provided, single submitter. Criteria: ACMG Guidelines, 2015. Collection method: not provided. Allele origin: germline. Inheritance: Autosomal recessive inheritance. Affected: yes.

Clinical Genetics, Academic Medical Center
Classification: Benign. Review status: no assertion criteria provided. Collection method: clinical testing. Allele origin: germline. Affected: yes. Study: VKGL Data-share Consensus. Not counted in ClinVar's aggregate classification.

Diagnostic Laboratory, Department of Genetics, University Medical Center Groningen
Classification: Benign. Review status: no assertion criteria provided. Collection method: clinical testing. Allele origin: germline. Affected: yes. Study: VKGL Data-share Consensus. Not counted in ClinVar's aggregate classification.

NM_177924.5(ASAH1):c.126-1873G>A

Gene: ASAH1 (N-acylsphingosine amidohydrolase 1; minus strand). Cytogenetic location: 8p22.
Variant type: single nucleotide variant.
Coding change: c.126-1873G>A on transcript NM_177924.5 (MANE Select); 1873 bases into the intron before coding-DNA position 126, G replaced by A.
Molecular consequence: intron variant. On other transcripts: missense variant (1).
Genome position (GRCh38, 1-based): chr8:18,073,263, C>T on the plus strand (G>A on the coding strand, the complement: ASAH1 is on the minus strand). VCF-style: chr8-18073263-C-T. GRCh37 (hg19) VCF-style: chr8-17930772-C-T.
Other names: c.187G>A, p.Val63Ile (NM_001127505.3); c.174-1873G>A (NM_004315.6); c.-70-1873G>A (NM_001363743.2); short protein forms V63I.
Identifiers: ClinVar variation 402397 (VCV000402397.13), dbSNP rs3753115, ClinGen allele CA4651042.